The following is an entry in ClinVar:

ClinVar aggregate classification (germline): Benign (1 of 4 stars; one submission).

Allele frequency attached by ClinVar (database versions not stated): 1000 Genomes Project 30x 0.43332; 1000 Genomes Project 0.43630; TOPMed 0.47922; gnomAD 0.49450 and 0.49590.
gnomAD v4.1: 75,488 of 152,102 alleles (50%); highest among the groups gnomAD compares: South Asian, 58%; 19,564 homozygotes.

Submission:

GeneDx
Classification: Benign. Last evaluated: 2018-06-14. Review status: criteria provided, single submitter. Criteria: GeneDx Variant Classification (06012015). Collection method: clinical testing. Allele origin: germline. Affected: yes.
Comment: This variant is considered likely benign or benign based on one or more of the following criteria: it is a conservative change, it occurs at a poorly conserved position in the protein, it is predicted to be benign by multiple in silico algorithms, and/or has population frequency not consistent with disease.

NM_004522.3(KIF5C):c.2373+303T>C

Gene: KIF5C (kinesin family member 5C; plus strand). Cytogenetic location: 2q23.2.
Variant type: single nucleotide variant.
Coding change: c.2373+303T>C on transcript NM_004522.3 (MANE Select); 303 bases into the intron after coding-DNA position 2373, T replaced by C.
Molecular consequence: intron variant.
Genome position (GRCh38, 1-based): chr2:149,001,085, T>C. VCF-style: chr2-149001085-T-C. GRCh37 (hg19) VCF-style: chr2-149857599-T-C.
Identifiers: ClinVar variation 670017 (VCV000670017.1), dbSNP rs12471367, ClinGen allele CA11163922.